The following is an entry in ClinVar:

NM_006914.4(RORB):c.384C>T (p.Asn128=)

Gene: RORB (RAR related orphan receptor B; plus strand). Cytogenetic location: 9q21.13.
Variant type: single nucleotide variant.
Coding change: c.384C>T on transcript NM_006914.4 (MANE Select); coding-DNA position 384, C replaced by T.
Protein change: p.Asn128=; no amino-acid change (asparagine 128 retained).
Molecular consequence: synonymous variant.
Genome position (GRCh38, 1-based): chr9:74,642,562, C>T. VCF-style: chr9-74642562-C-T. GRCh37 (hg19) VCF-style: chr9-77257478-C-T.
Other names: c.417C>T, p.Asn139= (NM_001365023.1).
Identifiers: ClinVar variation 778430 (VCV000778430.35), dbSNP rs138614785, ClinGen allele CA5083356.

ClinVar aggregate classification (germline): Benign/Likely benign. Review status: criteria provided, multiple submitters, no conflicts (2 of 4 stars). 5 submissions from 5 submitters: Benign (2); Likely benign (2). 1 of the submissions does not count toward it. Last evaluated 2026-04-01.

Conditions:
RORB-related disorder. Also called: RORB-related condition.

Allele frequency attached by ClinVar (database versions not stated): gnomAD exomes 0.00017 and 0.00062; ExAC 0.00064; 1000 Genomes Project 30x 0.00156; 1000 Genomes Project 0.00160; gnomAD 0.00202 and 0.00222; TOPMed 0.00223; ESP Exome Variant Server 0.00338.
gnomAD v4.1: 563 of 1,614,190 alleles (0.035%); highest among the groups gnomAD compares: African/African-American, 0.66%; 1 homozygote.

Submissions (5):

CeGaT Center for Human Genetics Tuebingen
Classification: Likely benign. Last evaluated: 2026-04-01. Review status: criteria provided, single submitter. Criteria: CeGaT Center For Human Genetics Tuebingen Variant Classification Criteria Version 2. Collection method: clinical testing. Allele origin: germline. Affected: yes. Observed: 2 variant alleles.
Comment: RORB: BP4, BP7

Labcorp Genetics (formerly Invitae), Labcorp
Classification: Benign. Last evaluated: 2026-01-17. Review status: criteria provided, single submitter. Criteria: Invitae Variant Classification Sherloc (09022015). Collection method: clinical testing. Allele origin: germline.

Blueprint Genetics
Classification: Likely benign. Last evaluated: 2024-09-12. Review status: criteria provided, single submitter. Criteria: ACMG Guidelines, 2015. Collection method: clinical testing. Allele origin: germline.

Breakthrough Genomics
Classification: Benign. Review status: criteria provided, single submitter. Criteria: ACMG Guidelines, 2015. Collection method: not provided. Allele origin: germline. Inheritance: Autosomal dominant inheritance. Affected: yes.

PreventionGenetics, part of Exact Sciences
Classification: Benign for RORB-related condition. Last evaluated: 2019-07-12. Review status: no assertion criteria provided. Collection method: clinical testing. Allele origin: germline. Not counted in ClinVar's aggregate classification.
Comment: This variant is classified as benign based on ACMG/AMP sequence variant interpretation guidelines (Richards et al. 2015 PMID: 25741868, with internal and published modifications).